The following is an entry in ClinVar:

NM_198586.3(NHLRC1):c.1183G>A (p.Gly395Arg)

Gene: NHLRC1 (NHL repeat containing E3 ubiquitin protein ligase 1; minus strand). Cytogenetic location: 6p22.3.
Variant type: single nucleotide variant.
Coding change: c.1183G>A on transcript NM_198586.3 (MANE Select); coding-DNA position 1183, G replaced by A.
Protein change: p.Gly395Arg; replaces glycine 395 with arginine.
Molecular consequence: missense variant.
Genome position (GRCh38, 1-based): chr6:18,121,424, C>T on the plus strand (G>A on the coding strand, the complement: NHLRC1 is on the minus strand). VCF-style: chr6-18121424-C-T. GRCh37 (hg19) VCF-style: chr6-18121655-C-T.
Other names: short protein forms G395R.
Identifiers: ClinVar variation 588994 (VCV000588994.10), dbSNP rs753959228, ClinGen allele CA3649863.

ClinVar aggregate classification (germline): Uncertain significance. Review status: criteria provided, multiple submitters, no conflicts (2 of 4 stars). 2 submissions from 2 submitters: Uncertain significance (2). Last evaluated 2022-07-06.

Conditions:
Lafora disease. Also called: Epilepsy progressive myoclonic 2. Identifiers: Orphanet 501, MedGen C0751783, MONDO:0009697.
Inborn genetic diseases. Identifiers: MedGen C0950123, MeSH D030342.

Allele frequency attached by ClinVar (database versions not stated): ExAC 0.00001; TOPMed 0.00001.

Submissions (2):

Labcorp Genetics (formerly Invitae), Labcorp
Classification: Uncertain significance for Lafora disease. Last evaluated: 2022-07-06. Review status: criteria provided, single submitter. Criteria: Invitae Variant Classification Sherloc (09022015). Collection method: clinical testing. Allele origin: germline.
Comment: This sequence change replaces glycine, which is neutral and non-polar, with arginine, which is basic and polar, at codon 395 of the NHLRC1 protein (p.Gly395Arg). This variant is not present in population databases (gnomAD no frequency). This variant has not been reported in the literature in individuals affected with NHLRC1-related conditions. ClinVar contains an entry for this variant (Variation ID: 588994). Algorithms developed to predict the effect of missense changes on protein structure and function are either unavailable or do not agree on the potential impact of this missense change (SIFT: "Deleterious"; PolyPhen-2: "Probably Damaging"; Align-GVGD: "Class C0"). In summary, the available evidence is currently insufficient to determine the role of this variant in disease. Therefore, it has been classified as a Variant of Uncertain Significance.

Ambry Genetics
Classification: Uncertain significance for Inborn genetic diseases. Last evaluated: 2017-04-21. Review status: criteria provided, single submitter. Criteria: Ambry Variant Classification Scheme 2023. Collection method: clinical testing. Allele origin: germline.
Comment: The p.G395R variant (also known as c.1183G>A), located in coding exon 1 of the NHLRC1 gene, results from a G to A substitution at nucleotide position 1183. The glycine at codon 395 is replaced by arginine, an amino acid with dissimilar properties. This amino acid position is well conserved in available vertebrate species. In addition, the in silico prediction for this alteration is inconclusive. Since supporting evidence is limited at this time, the clinical significance of this alteration remains unclear.